The following is an entry in ClinVar:

ClinVar aggregate classification (germline): Uncertain significance (1 of 4 stars; one submission).

gnomAD v4.1: 6 of 1,610,220 alleles (0.00037%); highest among the groups gnomAD compares: Non-Finnish European, 0.00051%; no homozygotes.

Submission:

Labcorp Genetics (formerly Invitae), Labcorp
Classification: Uncertain significance. Last evaluated: 2025-10-19. Review status: criteria provided, single submitter. Criteria: Invitae Variant Classification Sherloc (09022015). Collection method: clinical testing. Allele origin: germline.
Comment: This sequence change replaces proline, which is neutral and non-polar, with arginine, which is basic and polar, at codon 581 of the TAF1C protein (p.Pro581Arg). This variant is not present in population databases (gnomAD no frequency). This variant has not been reported in the literature in individuals affected with TAF1C-related conditions. An algorithm developed to predict the effect of missense changes on protein structure and function (PolyPhen-2) suggests that this variant is likely to be disruptive. In summary, the available evidence is currently insufficient to determine the role of this variant in disease. Therefore, it has been classified as a Variant of Uncertain Significance.

NM_001243156.2(TAF1C):c.1664C>G (p.Pro555Arg)

Gene: TAF1C (TATA-box binding protein associated factor, RNA polymerase I subunit C; minus strand). Cytogenetic location: 16q24.1.
Variant type: single nucleotide variant.
Coding change: c.1664C>G on transcript NM_001243156.2 (MANE Select); coding-DNA position 1664, C replaced by G.
Protein change: p.Pro555Arg; replaces proline 555 with arginine.
Molecular consequence: missense variant.
Genome position (GRCh38, 1-based): chr16:84,179,809, G>C on the plus strand (C>G on the coding strand, the complement: TAF1C is on the minus strand). VCF-style: chr16-84179809-G-C. GRCh37 (hg19) VCF-style: chr16-84213415-G-C.
Other names: c.746C>G, p.Pro249Arg (NM_001243157.2, NM_001243158.2); c.515C>G, p.Pro172Arg (NM_001243159.2); c.311C>G, p.Pro104Arg (NM_001243160.2); c.1742C>G, p.Pro581Arg (NM_005679.4); c.1460C>G, p.Pro487Arg (NM_139353.3); short protein forms P104R, P172R, P249R, P487R, P555R, P581R.
Identifiers: ClinVar variation 4804558 (VCV004804558.1).